The following is an entry in ClinVar:

NM_000093.5(COL5A1):c.5033C>T (p.Ser1678Leu)

Genes: COL5A1 (collagen type V alpha 1 chain; plus strand), LOC101448202 (uncharacterized LOC101448202; minus strand). Cytogenetic location: 9q34.3.
Variant type: single nucleotide variant.
Coding change: c.5033C>T on transcript NM_000093.5 (MANE Select); coding-DNA position 5033, C replaced by T.
Protein change: p.Ser1678Leu; replaces serine 1678 with leucine.
Molecular consequence: missense variant.
Genome position (GRCh38, 1-based): chr9:134,825,870, C>T. VCF-style: chr9-134825870-C-T. GRCh37 (hg19) VCF-style: chr9-137717716-C-T.
Other names: c.5033C>T, p.Ser1678Leu (NM_001278074.1); c.5033C>T (NM_000093.3); short protein forms S1678L.
Identifiers: ClinVar variation 2165240 (VCV002165240.5), dbSNP rs145299315, ClinGen allele CA375458993.

ClinVar aggregate classification (germline): Conflicting classifications of pathogenicity. Review status: criteria provided, conflicting classifications (1 of 4 stars). 2 submissions from 2 submitters: Uncertain significance (1); Benign (1). Last evaluated 2026-02-14.

Conditions:
Ehlers-Danlos syndrome, classic type, 1 (EDSCL1). Also called: Ehlers-Danlos Syndrome, Classic Type, COL5A1-Related; EHLERS-DANLOS SYNDROME, GRAVIS TYPE; EHLERS-DANLOS SYNDROME, SEVERE CLASSIC TYPE; Ehlers-Danlos syndrome, type 1; EDS I. Identifiers: MedGen C0268335, MONDO:0019567, OMIM 130000.
Familial thoracic aortic aneurysm and aortic dissection (TAAD). Also called: Thoracic aortic aneurysms and dissections. Identifiers: Orphanet 91387, MedGen C4707243, MONDO:0019625.

gnomAD v4.1: 5 of 1,612,958 alleles (0.00031%); highest among the groups gnomAD compares: South Asian, 0.0033%; no homozygotes.

Submissions (2):

Ambry Genetics
Classification: Uncertain significance for Familial thoracic aortic aneurysm and aortic dissection. Last evaluated: 2026-02-14. Review status: criteria provided, single submitter. Criteria: Ambry Variant Classification Scheme 2023. Collection method: clinical testing. Allele origin: germline.
Comment: The p.S1678L variant (also known as c.5033C>T), located in coding exon 63 of the COL5A1 gene, results from a C to T substitution at nucleotide position 5033. The serine at codon 1678 is replaced by leucine, an amino acid with dissimilar properties. This amino acid position is conserved. In addition, this alteration is predicted to be tolerated by in silico analysis. Based on the available evidence, the clinical significance of this variant remains unclear.

Labcorp Genetics (formerly Invitae), Labcorp
Classification: Benign for Ehlers-Danlos syndrome, classic type, 1. Last evaluated: 2025-06-22. Review status: criteria provided, single submitter. Criteria: Invitae Variant Classification Sherloc (09022015). Collection method: clinical testing. Allele origin: germline.